The following is an entry in ClinVar:

NM_052947.4(ALPK2):c.4792C>T (p.Pro1598Ser)

Genes: ALPK2 (alpha kinase 2; minus strand), LOC126862764 (BRD4-independent group 4 enhancer GRCh37_chr18:56202574-56203773; plus strand). Cytogenetic location: 18q21.31.
Variant type: single nucleotide variant.
Coding change: c.4792C>T on transcript NM_052947.4 (MANE Select); coding-DNA position 4792, C replaced by T.
Protein change: p.Pro1598Ser; replaces proline 1598 with serine.
Molecular consequence: missense variant.
Genome position (GRCh38, 1-based): chr18:58,535,395, G>A on the plus strand (C>T on the coding strand, the complement: ALPK2 is on the minus strand). VCF-style: chr18-58535395-G-A. GRCh37 (hg19) VCF-style: chr18-56202627-G-A.
Other names: short protein forms P1598S.
Identifiers: ClinVar variation 3531149 (VCV003531149.1).

ClinVar aggregate classification (germline): Uncertain significance (1 of 4 stars; one submission).

gnomAD v4.1: 2 of 1,614,180 alleles (0.00012%); highest among the groups gnomAD compares: East Asian, 0.0022%; no homozygotes.

Submission:

Ambry Genetics
Classification: Uncertain significance. Last evaluated: 2024-08-10. Review status: criteria provided, single submitter. Criteria: Ambry Variant Classification Scheme 2023. Collection method: clinical testing. Allele origin: germline.
Comment: The p.P1598S variant (also known as c.4792C>T), located in coding exon 4 of the ALPK2 gene, results from a C to T substitution at nucleotide position 4792. The proline at codon 1598 is replaced by serine, an amino acid with similar properties. This amino acid position is conserved. In addition, this alteration is predicted to be tolerated by in silico analysis. Based on the available evidence, the clinical significance of this variant remains unclear.